The following is an entry in ClinVar:

NM_006904.7(PRKDC):c.11998A>G (p.Asn4000Asp)

Gene: PRKDC (protein kinase, DNA-activated, catalytic subunit; minus strand). Cytogenetic location: 8q11.21.
Variant type: single nucleotide variant.
Coding change: c.11998A>G on transcript NM_006904.7 (MANE Select); coding-DNA position 11998, A replaced by G.
Protein change: p.Asn4000Asp; replaces asparagine 4000 with aspartic acid.
Molecular consequence: missense variant.
Genome position (GRCh38, 1-based): chr8:47,777,730, T>C on the plus strand (A>G on the coding strand, the complement: PRKDC is on the minus strand). VCF-style: chr8-47777730-T-C. GRCh37 (hg19) VCF-style: chr8-48690291-T-C.
Other names: c.11905A>G, p.Asn3969Asp (NM_001081640.2); short protein forms N3969D, N4000D.
Identifiers: ClinVar variation 961473 (VCV000961473.8), dbSNP rs1013480060, ClinGen allele CA371128105.

ClinVar aggregate classification (germline): Uncertain significance. Review status: criteria provided, multiple submitters, no conflicts (2 of 4 stars). 2 submissions from 2 submitters: Uncertain significance (2). Last evaluated 2025-08-06.

Conditions:
Severe combined immunodeficiency due to DNA-PKcs deficiency. Also called: IMMUNODEFICIENCY 26 WITH NEUROLOGIC ABNORMALITIES; Immunodeficiency 26 with or without neurologic abnormalities. Identifiers: Orphanet 317425, MedGen C4014833, MONDO:0014423, OMIM 615966.

Allele frequency attached by ClinVar (database versions not stated): gnomAD exomes below 0.00001 and 0.00001.
gnomAD v4.1: 4 of 1,611,622 alleles (0.00025%); highest among the groups gnomAD compares: Non-Finnish European, 0.00025%; no homozygotes.

Submissions (2):

Ambry Genetics
Classification: Uncertain significance. Last evaluated: 2025-08-06. Review status: criteria provided, single submitter. Criteria: Ambry Variant Classification Scheme 2023. Collection method: clinical testing. Allele origin: germline.

Labcorp Genetics (formerly Invitae), Labcorp
Classification: Uncertain significance for Severe combined immunodeficiency due to DNA-PKcs deficiency. Last evaluated: 2019-07-30. Review status: criteria provided, single submitter. Criteria: Invitae Variant Classification Sherloc (09022015). Collection method: clinical testing. Allele origin: germline.
Comment: This variant has not been reported in the literature in individuals with PRKDC-related conditions. Algorithms developed to predict the effect of missense changes on protein structure and function (SIFT, PolyPhen-2, Align-GVGD) all suggest that this variant is likely to be tolerated, but these predictions have not been confirmed by published functional studies and their clinical significance is uncertain. In summary, the available evidence is currently insufficient to determine the role of this variant in disease. Therefore, it has been classified as a Variant of Uncertain Significance. This variant is not present in population databases (ExAC no frequency). This sequence change replaces asparagine with aspartic acid at codon 4000 of the PRKDC protein (p.Asn4000Asp). The asparagine residue is weakly conserved and there is a small physicochemical difference between asparagine and aspartic acid.